The following is an entry in ClinVar:

ClinVar aggregate classification (germline): Uncertain significance (1 of 4 stars; one submission).

Conditions:
Fanconi anemia (FA). Also called: Fanconi's anemia. Identifiers: Orphanet 84, MedGen C0015625, MeSH D005199, MONDO:0019391.

Allele frequency attached by ClinVar (database versions not stated): ExAC 0.00001.
gnomAD v4.1: 2 of 1,091,521 alleles (0.00018%); highest among the groups gnomAD compares: Non-Finnish European, 0.00025%; no homozygotes.

Submission:

Labcorp Genetics (formerly Invitae), Labcorp
Classification: Uncertain significance for Fanconi anemia. Last evaluated: 2023-01-19. Review status: criteria provided, single submitter. Criteria: Invitae Variant Classification Sherloc (09022015). Collection method: clinical testing. Allele origin: germline.
Comment: In summary, the available evidence is currently insufficient to determine the role of this variant in disease. Therefore, it has been classified as a Variant of Uncertain Significance. Algorithms developed to predict the effect of missense changes on protein structure and function are either unavailable or do not agree on the potential impact of this missense change (SIFT: "Tolerated"; PolyPhen-2: "Possibly Damaging"; Align-GVGD: "Class C0"). This sequence change replaces serine, which is neutral and polar, with arginine, which is basic and polar, at codon 369 of the FANCB protein (p.Ser369Arg). This variant is present in population databases (rs756433447, gnomAD 0.001%). This variant has not been reported in the literature in individuals affected with FANCB-related conditions.

NM_001018113.3(FANCB):c.1107T>G (p.Ser369Arg)

Gene: FANCB (FA complementation group B; minus strand). Cytogenetic location: Xp22.2.
Variant type: single nucleotide variant.
Coding change: c.1107T>G on transcript NM_001018113.3 (MANE Select); coding-DNA position 1107, T replaced by G.
Protein change: p.Ser369Arg; replaces serine 369 with arginine.
Molecular consequence: missense variant.
Genome position (GRCh38, 1-based): chrX:14,857,952, A>C on the plus strand (T>G on the coding strand, the complement: FANCB is on the minus strand). VCF-style: chrX-14857952-A-C. GRCh37 (hg19) VCF-style: chrX-14876074-A-C.
Other names: c.1107T>G, p.Ser369Arg (NM_001324162.2, NM_001410764.1, NM_152633.4); short protein forms S369R.
Identifiers: ClinVar variation 1990685 (VCV001990685.4), dbSNP rs756433447, ClinGen allele CA10353114.